The following is an entry in ClinVar:

NM_000324.3(RHAG):c.341+4A>G

Gene: RHAG (Rh associated glycoprotein; minus strand). Cytogenetic location: 6p12.3.
Variant type: single nucleotide variant.
Coding change: c.341+4A>G on transcript NM_000324.3 (MANE Select); 4 bases into the intron after coding-DNA position 341, A replaced by G.
Molecular consequence: intron variant.
Genome position (GRCh38, 1-based): chr6:49,619,175, T>C on the plus strand (A>G on the coding strand, the complement: RHAG is on the minus strand). VCF-style: chr6-49619175-T-C. GRCh37 (hg19) VCF-style: chr6-49586888-T-C.
Identifiers: ClinVar variation 1163266 (VCV001163266.6), dbSNP rs754658834, ClinGen allele CA3847947.

ClinVar aggregate classification (germline): Uncertain significance. Review status: criteria provided, multiple submitters, no conflicts (2 of 4 stars). 2 submissions from 2 submitters: Uncertain significance (2). Last evaluated 2025-08-28.

Allele frequency attached by ClinVar (database versions not stated): TOPMed 0.00001; gnomAD exomes 0.00003 and 0.00008; ExAC 0.00005.
gnomAD v4.1: 18 of 1,613,930 alleles (0.0011%); highest among the groups gnomAD compares: Admixed American, 0.03%; 1 homozygote.

Submissions (2):

Labcorp Genetics (formerly Invitae), Labcorp
Classification: Uncertain significance. Last evaluated: 2025-08-28. Review status: criteria provided, single submitter. Criteria: Invitae Variant Classification Sherloc (09022015). Collection method: clinical testing. Allele origin: germline.
Comment: This sequence change falls in intron 2 of the RHAG gene. It does not directly change the encoded amino acid sequence of the RHAG protein. It affects a nucleotide within the consensus splice site. This variant is present in population databases (rs754658834, gnomAD 0.05%). This variant has not been reported in the literature in individuals affected with RHAG-related conditions. ClinVar contains an entry for this variant (Variation ID: 1163266). Variants that disrupt the consensus splice site are a relatively common cause of aberrant splicing (PMID: 17576681, 9536098). Algorithms developed to predict the effect of sequence changes on RNA splicing suggest that this variant may disrupt the consensus splice site. In summary, the available evidence is currently insufficient to determine the role of this variant in disease. Therefore, it has been classified as a Variant of Uncertain Significance.

Mayo Clinic Laboratories, Mayo Clinic
Classification: Uncertain significance. Last evaluated: 2019-06-20. Review status: criteria provided, single submitter. Criteria: ACMG Guidelines, 2015. Collection method: clinical testing. Allele origin: germline. Observed: 1 variant allele.

Literature cited by the submitters: PubMed 17576681 (cited by Labcorp Genetics (formerly Invitae), Labcorp); PubMed 9536098 (cited by Labcorp Genetics (formerly Invitae), Labcorp).